The following is an entry in ClinVar:

NM_177924.5(ASAH1):c.667C>G (p.Leu223Val)

Gene: ASAH1 (N-acylsphingosine amidohydrolase 1; minus strand). Cytogenetic location: 8p22.
Variant type: single nucleotide variant.
Coding change: c.667C>G on transcript NM_177924.5 (MANE Select); coding-DNA position 667, C replaced by G.
Protein change: p.Leu223Val; replaces leucine 223 with valine.
Molecular consequence: missense variant.
Genome position (GRCh38, 1-based): chr8:18,061,722, G>C on the plus strand (C>G on the coding strand, the complement: ASAH1 is on the minus strand). VCF-style: chr8-18061722-G-C. GRCh37 (hg19) VCF-style: chr8-17919231-G-C.
Other names: c.649C>G, p.Leu217Val (NM_001127505.3); c.472C>G, p.Leu158Val (NM_001363743.2); c.715C>G, p.Leu239Val (NM_004315.6); short protein forms L158V, L239V, L223V, L217V.
Identifiers: ClinVar variation 1488994 (VCV001488994.3), dbSNP rs371332103, ClinGen allele CA370429681.
Genomic context (GRCh38, chr8:18,061,722, plus strand): 5'-TTCACTTGAGAATGCTCTACTTACCCAGATAACCACCATTTATACTGAAACGTTCATTCA[G>C]TGTAAGACTGAACAGTCCCTGAGAAAAAGACAAAGCAACGAAGTCAGAAACATCAACCAT-3'
Protein context (NP_808592.2, residues 213-233): GFKPGLFSLT[Leu223Val]NERFSINGGY

ClinVar aggregate classification (germline): Uncertain significance (1 of 4 stars; one submission).

gnomAD v4.1: 11 of 1,579,834 alleles (0.0007%); highest among the groups gnomAD compares: Non-Finnish European, 0.00086%; no homozygotes.

Submission:

Labcorp Genetics (formerly Invitae), Labcorp
Classification: Uncertain significance. Last evaluated: 2022-06-19. Review status: criteria provided, single submitter. Criteria: Invitae Variant Classification Sherloc (09022015). Collection method: clinical testing. Allele origin: germline.
Comment: This sequence change replaces leucine, which is neutral and non-polar, with valine, which is neutral and non-polar, at codon 223 of the ASAH1 protein (p.Leu223Val). The frequency data for this variant in the population databases is considered unreliable, as metrics indicate poor data quality at this position in the gnomAD database. This variant has not been reported in the literature in individuals affected with ASAH1-related conditions. Algorithms developed to predict the effect of missense changes on protein structure and function are either unavailable or do not agree on the potential impact of this missense change (SIFT: "Deleterious"; PolyPhen-2: "Benign"; Align-GVGD: "Class C0"). In summary, the available evidence is currently insufficient to determine the role of this variant in disease. Therefore, it has been classified as a Variant of Uncertain Significance.